The following is an entry in ClinVar:

ClinVar aggregate classification (germline): Uncertain significance (1 of 4 stars; one submission).

Submission:

Labcorp Genetics (formerly Invitae), Labcorp
Classification: Uncertain significance. Last evaluated: 2023-12-11. Review status: criteria provided, single submitter. Criteria: Invitae Variant Classification Sherloc (09022015). Collection method: clinical testing. Allele origin: germline.
Comment: This variant results in a copy number gain of the genomic region encompassing exon(s) 37-47 of the CACNA1B gene. This region includes the termination codon of the gene. This copy number gain extends beyond the assayed region for this gene and therefore may encompass additional genes. As the precise location of this event is unknown, it may be in tandem or it may be located elsewhere in the genome. This variant has not been reported in the literature in individuals affected with CACNA1B-related conditions. Experimental studies and prediction algorithms are not available or were not evaluated, and the functional significance of this variant is currently unknown. In summary, the available evidence is currently insufficient to determine the role of this variant in disease. Therefore, it has been classified as a Variant of Uncertain Significance.

NC_000009.11:g.(?_140990916)_(141016451_?)dup

Gene: CACNA1B (calcium voltage-gated channel subunit alpha1 B; plus strand). Cytogenetic location: 9q34.3.
Variant type: Duplication.
Identifiers: ClinVar variation 2423362 (VCV002423362.3).